The following is an entry in ClinVar:

ClinVar aggregate classification (germline): Uncertain significance (1 of 4 stars; one submission).

Submission:

Athena Diagnostics
Classification: Uncertain significance. Last evaluated: 2023-12-15. Review status: criteria provided, single submitter. Criteria: Athena Diagnostics Criteria. Collection method: clinical testing. Allele origin: unknown.
Comment: Available data are insufficient to determine the clinical significance of the variant at this time. This variant has not been reported in large, multi-ethnic general populations. Computational tools yielded predictions that this variant may interfere with normal RNA splicing.

NM_001377265.1(MAPT):c.134-14T>G

Gene: MAPT (microtubule associated protein tau). Cytogenetic location: 17q21.31.
Variant type: single nucleotide variant.
Coding change: c.134-14T>G on transcript NM_001377265.1 (MANE Select); 14 bases into the intron before coding-DNA position 134, T replaced by G.
Molecular consequence: intron variant.
Genome position (GRCh38, 1-based): chr17:45,971,845, T>G. VCF-style: chr17-45971845-T-G. GRCh37 (hg19) VCF-style: chr17-44049211-T-G.
Other names: c.134-6530T>G (NM_001377268.1, NM_016834.5, NM_016841.5); c.134-14T>G (NM_001123066.4, NM_016835.5, NM_005910.6 and 5 more transcripts).
Identifiers: ClinVar variation 3571983 (VCV003571983.1).